The following is an entry in ClinVar:

ClinVar aggregate classification (germline): Conflicting classifications of pathogenicity. Review status: criteria provided, conflicting classifications (1 of 4 stars). 4 submissions from 4 submitters: Uncertain significance (2); Likely benign (1). 1 of the submissions does not count toward it. Last evaluated 2024-01-09.

Conditions:
TTN-related disorder. Also called: TTN-related condition; TTN-related disease; TTN-related disorders.

Allele frequency attached by ClinVar (database versions not stated): gnomAD exomes 0.00002 and 0.00007; TOPMed 0.00002; ExAC 0.00011.
gnomAD v4.1: 35 of 1,608,150 alleles (0.0022%); highest among the groups gnomAD compares: Non-Finnish European, 0.0026%; no homozygotes.

Submissions (4):

Blueprint Genetics
Classification: Likely benign. Last evaluated: 2024-01-09. Review status: criteria provided, single submitter. Criteria: ACMG Guidelines, 2015. Collection method: clinical testing. Allele origin: germline.

Women's Health and Genetics/Laboratory Corporation of America, LabCorp
Classification: Uncertain significance. Last evaluated: 2022-04-24. Review status: criteria provided, single submitter. Criteria: LabCorp Variant Classification Summary - May 2015. Collection method: clinical testing. Allele origin: germline.

Revvity Omics, Revvity
Classification: Uncertain significance. Last evaluated: 2020-10-08. Review status: criteria provided, single submitter. Criteria: ACMG Guidelines, 2015. Collection method: clinical testing. Allele origin: germline.

PreventionGenetics, part of Exact Sciences
Classification: Uncertain significance for TTN-related condition. Last evaluated: 2024-04-17. Review status: no assertion criteria provided. Collection method: clinical testing. Allele origin: germline. Not counted in ClinVar's aggregate classification.
Comment: The TTN c.35185G>A variant is predicted to result in the amino acid substitution p.Glu11729Lys. To our knowledge, this variant has not been reported in the literature. This variant is reported in 0.016% of alleles in individuals of European (Non-Finnish) descent in gnomAD. At this time, the clinical significance of this variant is uncertain due to the absence of conclusive functional and genetic evidence.

NM_001267550.2(TTN):c.35185G>A (p.Glu11729Lys)

Gene: TTN (titin; minus strand). Cytogenetic location: 2q31.2.
Variant type: single nucleotide variant.
Coding change: c.35185G>A on transcript NM_001267550.2 (MANE Select); coding-DNA position 35185, G replaced by A.
Protein change: p.Glu11729Lys; replaces glutamic acid 11729 with lysine.
Molecular consequence: missense variant. On other transcripts: intron variant (3).
Genome position (GRCh38, 1-based): chr2:178,672,013, C>T on the plus strand (G>A on the coding strand, the complement: TTN is on the minus strand). VCF-style: chr2-178672013-C-T. GRCh37 (hg19) VCF-style: chr2-179536740-C-T.
Other names: c.34063G>A, p.Glu11355Lys (NM_001256850.1); c.31282G>A, p.Glu10428Lys (NM_133378.4); c.13283-29696G>A (NM_003319.4); c.13859-29696G>A (NM_133437.4); c.13658-29696G>A (NM_133432.3); short protein forms E10428K, E11355K, E11729K.
Identifiers: ClinVar variation 1683394 (VCV001683394.6), dbSNP rs762444896, ClinGen allele CA1997901.